The following is an entry in ClinVar:

NM_002397.5(MEF2C):c.99T>G (p.Tyr33Ter)

Gene: MEF2C (myocyte enhancer factor 2C; minus strand). Cytogenetic location: 5q14.3.
Variant type: single nucleotide variant.
Coding change: c.99T>G on transcript NM_002397.5 (MANE Select); coding-DNA position 99, T replaced by G.
Protein change: p.Tyr33Ter; replaces tyrosine 33 with a stop codon.
Molecular consequence: nonsense.
Genome position (GRCh38, 1-based): chr5:88,804,757, A>C on the plus strand (T>G on the coding strand, the complement: MEF2C is on the minus strand). VCF-style: chr5-88804757-A-C. GRCh37 (hg19) VCF-style: chr5-88100574-A-C.
Other names: c.99T>G, p.Tyr33Ter (NM_001131005.2, NM_001193347.1, NM_001193348.1 and 29 more transcripts); short protein forms Y33*.
Identifiers: ClinVar variation 4888137 (VCV004888137.1).

ClinVar aggregate classification (germline): Pathogenic (1 of 4 stars; one submission).

Submission:

GeneDx
Classification: Pathogenic. Last evaluated: 2026-01-29. Review status: criteria provided, single submitter. Criteria: GeneDx Variant Classification Process June 2021. Collection method: clinical testing. Allele origin: germline.
Comment: Nonsense variant predicted to result in protein truncation or nonsense mediated decay in a gene for which loss of function is a known mechanism of disease; Not observed at significant frequency in large population cohorts (gnomAD); Has not been previously published as pathogenic or benign to our knowledge